The following is an entry in ClinVar:

ClinVar aggregate classification (germline): Pathogenic (1 of 4 stars; one submission).

Conditions:
Arrhythmogenic right ventricular dysplasia 9 (ARVD9). Also called: Arrhythmogenic Right Ventricular Dysplasia/Cardiomyopathy 9; ARRHYTHMOGENIC RIGHT VENTRICULAR DYSPLASIA, FAMILIAL, 9. Identifiers: MedGen C1836906, MONDO:0012180, OMIM 609040.

Submission:

Labcorp Genetics (formerly Invitae), Labcorp
Classification: Pathogenic for Arrhythmogenic right ventricular dysplasia 9. Last evaluated: 2023-10-20. Review status: criteria provided, single submitter. Criteria: Invitae Variant Classification Sherloc (09022015). Collection method: clinical testing. Allele origin: germline.
Comment: This sequence change creates a premature translational stop signal (p.Lys602Argfs*54) in the PKP2 gene. It is expected to result in an absent or disrupted protein product. Loss-of-function variants in PKP2 are known to be pathogenic (PMID: 15489853, 23911551). This variant is not present in population databases (gnomAD no frequency). This variant has not been reported in the literature in individuals affected with PKP2-related conditions. ClinVar contains an entry for this variant (Variation ID: 2045709). For these reasons, this variant has been classified as Pathogenic.

Literature cited by the submitters: PubMed 15489853; PubMed 23911551.

NM_001005242.3(PKP2):c.1673del (p.Lys558fs)

Gene: PKP2 (plakophilin 2; minus strand). Cytogenetic location: 12p11.21.
Variant type: Deletion.
Coding change: c.1673del on transcript NM_001005242.3 (MANE Select); coding-DNA position 1673, one base deleted (A; older notation c.1673delA).
Protein change: p.Lys558fs; shifts the reading frame from lysine 558.
Molecular consequence: frameshift variant.
Genome position (GRCh38, 1-based): chr12:32,824,046, T deleted on the plus strand (A on the coding strand, the reverse complement: PKP2 is on the minus strand); the first of 2 consecutive T bases (chr12:32,824,046-32,824,047); deleting either gives the same sequence. VCF-style (leftmost placement, unchanged base first): chr12-32824045-CT-C. GRCh37 (hg19) VCF-style: chr12-32976979-CT-C.
Other names: c.1672delA, p.Lys558Argfs (NM_001407155.1, NM_001407161.1); c.1672delA, p.Lys558Serfs (NM_001407156.1); c.1804delA, p.Lys602Argfs (NM_001407157.1); c.1345delA, p.Lys449Argfs (NM_001407158.1, NM_001407159.1, NM_001407160.1 and 1 more transcripts); c.1805del, p.Lys602fs (NM_004572.4); short protein forms K558fs, K602fs.
Identifiers: ClinVar variation 2045709 (VCV002045709.4), dbSNP rs2541234463, ClinGen allele CA2580085404.